The following is an entry in ClinVar:

ClinVar aggregate classification (germline): Uncertain significance. Review status: criteria provided, multiple submitters, no conflicts (2 of 4 stars). 3 submissions from 3 submitters: Uncertain significance (3). Last evaluated 2024-10-17.

Conditions:
Hereditary cancer-predisposing syndrome. Also called: Neoplastic Syndromes, Hereditary; Tumor predisposition; Hereditary neoplastic syndrome; Hereditary Cancer Syndrome. Identifiers: Orphanet 140162, MedGen C0027672, MeSH D009386, MONDO:0015356.
Hereditary nonpolyposis colorectal neoplasms. Identifiers: MedGen C0009405, MeSH D003123.

Submissions (3):

Ambry Genetics
Classification: Uncertain significance for Hereditary cancer-predisposing syndrome. Last evaluated: 2024-10-17. Review status: criteria provided, single submitter. Criteria: Ambry Variant Classification Scheme 2023. Collection method: clinical testing. Allele origin: germline.
Comment: The p.N1020D variant (also known as c.3058A>G), located in coding exon 4 of the MSH6 gene, results from an A to G substitution at nucleotide position 3058. The asparagine at codon 1020 is replaced by aspartic acid, an amino acid with highly similar properties. This variant was identified in 1 of 1009 patients amongst a cohort of Chinese patients with a personal history of pancreatic ductal adenocarcinoma (Yin L et al. JAMA Netw Open, 2022 Feb;5:e2148721). This amino acid position is not well conserved in available vertebrate species. In addition, this alteration is predicted to be tolerated by in silico analysis. Based on the available evidence, the clinical significance of this variant remains unclear.

Color Diagnostics, LLC DBA Color Health
Classification: Uncertain significance for Hereditary cancer-predisposing syndrome. Last evaluated: 2023-12-05. Review status: criteria provided, single submitter. Criteria: ACMG Guidelines, 2015. Collection method: clinical testing. Allele origin: germline.
Comment: This missense variant replaces asparagine with aspartic acid at codon 1020 of the MSH6 protein. Computational prediction suggests that this variant may not impact protein structure and function (internally defined REVEL score threshold <= 0.5, PMID: 27666373). To our knowledge, functional studies have not been reported for this variant. This variant has not been reported in individuals affected with MSH6-related disorders in the literature. This variant has not been identified in the general population by the Genome Aggregation Database (gnomAD). The available evidence is insufficient to determine the role of this variant in disease conclusively. Therefore, this variant is classified as a Variant of Uncertain Significance.

Labcorp Genetics (formerly Invitae), Labcorp
Classification: Uncertain significance for Hereditary nonpolyposis colorectal neoplasms. Last evaluated: 2023-07-06. Review status: criteria provided, single submitter. Criteria: Invitae Variant Classification Sherloc (09022015). Collection method: clinical testing. Allele origin: germline.
Comment: In summary, the available evidence is currently insufficient to determine the role of this variant in disease. Therefore, it has been classified as a Variant of Uncertain Significance. Advanced modeling of protein sequence and biophysical properties (such as structural, functional, and spatial information, amino acid conservation, physicochemical variation, residue mobility, and thermodynamic stability) performed at Invitae indicates that this missense variant is not expected to disrupt MSH6 protein function. ClinVar contains an entry for this variant (Variation ID: 629362). This variant has not been reported in the literature in individuals affected with MSH6-related conditions. This variant is not present in population databases (gnomAD no frequency). This sequence change replaces asparagine, which is neutral and polar, with aspartic acid, which is acidic and polar, at codon 1020 of the MSH6 protein (p.Asn1020Asp).

Literature cited by the submitters: PubMed 35171259 (cited by Ambry Genetics).

NM_000179.3(MSH6):c.3058A>G (p.Asn1020Asp)

Gene: MSH6 (mutS homolog 6; plus strand). Cytogenetic location: 2p16.3.
Variant type: single nucleotide variant.
Coding change: c.3058A>G on transcript NM_000179.3 (MANE Select); coding-DNA position 3058, A replaced by G.
Protein change: p.Asn1020Asp; replaces asparagine 1020 with aspartic acid.
Molecular consequence: missense variant.
Genome position (GRCh38, 1-based): chr2:47,801,041, A>G. VCF-style: chr2-47801041-A-G. GRCh37 (hg19) VCF-style: chr2-48028180-A-G.
Other names: c.2668A>G, p.Asn890Asp (NM_001281492.2); c.2152A>G, p.Asn718Asp (NM_001281493.2, NM_001281494.2); short protein forms N1020D, N718D, N890D.
Identifiers: ClinVar variation 629362 (VCV000629362.10), dbSNP rs1553414438, ClinGen allele CA346756518.
Genomic context (GRCh38, chr2:47,801,041, plus strand): 5'-AAGAAGGGCTGTAAACGATACTGGACCAAAACTATTGAAAAGAAGTTGGCTAATCTCATA[A>G]ATGCTGAAGAACGGAGGGATGTATCATTGAAGGACTGCATGCGGCGACTGTTCTATAACT-3'
Protein context (NP_000170.1, residues 1010-1030): TIEKKLANLI[Asn1020Asp]AEERRDVSLK